The following is an entry in ClinVar:

NM_001165963.4(SCN1A):c.2630A>G (p.Asn877Ser)

Gene: SCN1A (sodium voltage-gated channel alpha subunit 1; minus strand). Cytogenetic location: 2q24.3.
Variant type: single nucleotide variant.
Coding change: c.2630A>G on transcript NM_001165963.4 (MANE Select); coding-DNA position 2630, A replaced by G.
Protein change: p.Asn877Ser; replaces asparagine 877 with serine.
Molecular consequence: missense variant. On other transcripts: non-coding transcript variant (1).
Genome position (GRCh38, 1-based): chr2:166,038,092, T>C on the plus strand (A>G on the coding strand, the complement: SCN1A is on the minus strand). VCF-style: chr2-166038092-T-C. GRCh37 (hg19) VCF-style: chr2-166894602-T-C.
Other names: c.2546A>G, p.Asn849Ser (NM_001165964.3, NM_001353957.2, NM_001353958.2); c.2630A>G, p.Asn877Ser (NM_001202435.3, NM_001353948.2); c.2597A>G, p.Asn866Ser (NM_001353949.2, NM_001353950.2, NM_001353951.2 and 2 more transcripts); c.2594A>G, p.Asn865Ser (NM_001353954.2, NM_001353955.2); c.2543A>G, p.Asn848Ser (NM_001353960.2); c.188A>G, p.Asn63Ser (NM_001353961.2); short protein forms N63S, N849S, N877S, N848S, N865S, N866S.
Identifiers: ClinVar variation 3005320 (VCV003005320.3), dbSNP rs751661051, ClinGen allele CA1943065.

ClinVar aggregate classification (germline): Uncertain significance (1 of 4 stars; one submission).

Conditions:
Early-infantile DEE. Also called: Early infantile epileptic encephalopathy; Ohtahara syndrome; Early infantile epileptic encephalopathy with suppression bursts. Identifiers: Orphanet 1934, MedGen C0393706, MONDO:0800491.

Allele frequency attached by ClinVar (database versions not stated): gnomAD 0.00003; gnomAD exomes below 0.00001; ExAC 0.00001; TOPMed 0.00002.
gnomAD v4.1: 6 of 1,613,150 alleles (0.00037%); highest among the groups gnomAD compares: African/African-American, 0.0067%; no homozygotes.

Submission:

Labcorp Genetics (formerly Invitae), Labcorp
Classification: Uncertain significance for Early-infantile DEE. Last evaluated: 2023-09-03. Review status: criteria provided, single submitter. Criteria: Invitae Variant Classification Sherloc (09022015). Collection method: clinical testing. Allele origin: germline.
Comment: This sequence change replaces asparagine, which is neutral and polar, with serine, which is neutral and polar, at codon 877 of the SCN1A protein (p.Asn877Ser). This variant is present in population databases (rs751661051, gnomAD 0.008%). This variant has not been reported in the literature in individuals affected with SCN1A-related conditions. Advanced modeling of protein sequence and biophysical properties (such as structural, functional, and spatial information, amino acid conservation, physicochemical variation, residue mobility, and thermodynamic stability) performed at Invitae indicates that this missense variant is expected to disrupt SCN1A protein function. In summary, the available evidence is currently insufficient to determine the role of this variant in disease. Therefore, it has been classified as a Variant of Uncertain Significance.